The following is an entry in ClinVar:

NM_004006.3(DMD):c.9367C>G (p.Leu3123Val)

Gene: DMD (dystrophin; minus strand). Cytogenetic location: Xp21.2.
Variant type: single nucleotide variant.
Coding change: c.9367C>G on transcript NM_004006.3 (MANE Select); coding-DNA position 9367, C replaced by G.
Protein change: p.Leu3123Val; replaces leucine 3123 with valine.
Molecular consequence: missense variant.
Genome position (GRCh38, 1-based): chrX:31,209,694, G>C on the plus strand (C>G on the coding strand, the complement: DMD is on the minus strand). VCF-style: chrX-31209694-G-C. GRCh37 (hg19) VCF-style: chrX-31227811-G-C.
Other names: c.9343C>G, p.Leu3115Val (NM_000109.4); c.9355C>G, p.Leu3119Val (NM_004009.3); c.8998C>G, p.Leu3000Val (NM_004010.3); c.5344C>G, p.Leu1782Val (NM_004011.4); c.5335C>G, p.Leu1779Val (NM_004012.4); c.1987C>G, p.Leu663Val (NM_004013.3, NM_004020.4, NM_004021.3 and 2 more transcripts); c.1180C>G, p.Leu394Val (NM_004014.3); c.163C>G, p.Leu55Val (NM_004015.3, NM_004016.3, NM_004017.3 and 2 more transcripts); short protein forms L1779V, L1782V, L3000V, L3115V, L3119V, L3123V, L394V, L55V.
Identifiers: ClinVar variation 4685281 (VCV004685281.1).
Genomic context (GRCh38, chrX:31,209,694, plus strand): 5'-GGTCATTTTGCTTGAGGTTGTGCTGGTCCAAGGCATCACATGCAGCTGACAGGCTCAAGA[G>C]ATCCACTGCAAAAAACAAATAAAATCACAAATGACTCAAAGAGTAAAACCTTCCTTTCAG-3'
Protein context (NP_003997.2, residues 3113-3133): RRLQKALCLD[Leu3123Val]LSLSAACDAL

ClinVar aggregate classification (germline): Uncertain significance (1 of 4 stars; one submission).

Submission:

GeneDx
Classification: Uncertain significance. Last evaluated: 2025-07-08. Review status: criteria provided, single submitter. Criteria: GeneDx Variant Classification Process June 2021. Collection method: clinical testing. Allele origin: germline. Affected: yes.
Comment: Not observed at significant frequency in large population cohorts (gnomAD); In silico analysis supports that this missense variant has a deleterious effect on protein structure/function; Has not been previously published as pathogenic or benign to our knowledge